The following is an entry in ClinVar:

NM_017662.5(TRPM6):c.5339G>A (p.Arg1780His)

Gene: TRPM6 (transient receptor potential cation channel subfamily M member 6; minus strand). Cytogenetic location: 9q21.13.
Variant type: single nucleotide variant.
Coding change: c.5339G>A on transcript NM_017662.5 (MANE Select); coding-DNA position 5339, G replaced by A.
Protein change: p.Arg1780His; replaces arginine 1780 with histidine.
Molecular consequence: missense variant.
Genome position (GRCh38, 1-based): chr9:74,739,871, C>T on the plus strand (G>A on the coding strand, the complement: TRPM6 is on the minus strand). VCF-style: chr9-74739871-C-T. GRCh37 (hg19) VCF-style: chr9-77354787-C-T.
Other names: c.5324G>A, p.Arg1775His (NM_001177310.2, NM_001177311.2); short protein forms R1780H, R1775H.
Identifiers: ClinVar variation 914404 (VCV000914404.10), dbSNP rs147011944, ClinGen allele CA5083828.

ClinVar aggregate classification (germline): Uncertain significance. Review status: criteria provided, multiple submitters, no conflicts (2 of 4 stars). 4 submissions from 4 submitters: Uncertain significance (4). Last evaluated 2024-07-14.

Conditions:
Inborn genetic diseases. Identifiers: MedGen C0950123, MeSH D030342.
Intestinal hypomagnesemia 1. Also called: HYPOMAGNESEMIA, INTESTINAL, WITH SECONDARY HYPOCALCEMIA; HYPOMAGNESEMIC TETANY. Identifiers: Orphanet 30924, MedGen C1865974, MONDO:0011176, OMIM 602014.

Allele frequency attached by ClinVar (database versions not stated): gnomAD exomes 0.00007 and 0.00009; TOPMed 0.00008; ExAC 0.00009; gnomAD 0.00009; ESP Exome Variant Server 0.00015.
gnomAD v4.1: 149 of 1,614,006 alleles (0.0092%); highest among the groups gnomAD compares: Non-Finnish European, 0.012%; no homozygotes.

Submissions (4):

Ambry Genetics
Classification: Uncertain significance for Inborn genetic diseases. Last evaluated: 2024-07-14. Review status: criteria provided, single submitter. Criteria: Ambry Variant Classification Scheme 2023. Collection method: clinical testing. Allele origin: germline.

Fulgent Genetics
Classification: Uncertain significance for Intestinal hypomagnesemia 1. Last evaluated: 2024-05-02. Review status: criteria provided, single submitter. Criteria: ACMG Guidelines, 2015. Collection method: clinical testing. Allele origin: germline.

GeneDx
Classification: Uncertain significance. Last evaluated: 2023-11-03. Review status: criteria provided, single submitter. Criteria: GeneDx Variant Classification Process June 2021. Collection method: clinical testing. Allele origin: germline. Affected: yes.
Comment: In silico analysis supports that this missense variant has a deleterious effect on protein structure/function; Has not been previously published as pathogenic or benign to our knowledge

Illumina Laboratory Services, Illumina
Classification: Uncertain significance for Intestinal hypomagnesemia 1. Last evaluated: 2018-01-13. Review status: criteria provided, single submitter. Criteria: ICSL Variant Classification Criteria 13 December 2019. Collection method: clinical testing. Allele origin: germline.